The following is an entry in ClinVar:

NM_001754.5(RUNX1):c.1426_1436del (p.Val476fs)

Gene: RUNX1 (RUNX family transcription factor 1; minus strand). Cytogenetic location: 21q22.12.
Variant type: Deletion.
Coding change: c.1426_1436del on transcript NM_001754.5 (MANE Select); coding-DNA positions 1426 to 1436, 11 bases deleted (GTGTGGAGGCC).
Protein change: p.Val476fs; shifts the reading frame from valine 476.
Molecular consequence: frameshift variant.
Genome position (GRCh38, 1-based): chr21:34,792,142-34,792,152, GGCCTCCACAC deleted on the plus strand (GTGTGGAGGCC on the coding strand, the reverse complement: RUNX1 is on the minus strand); deleting any 11 consecutive bases within chr21:34,792,142-34,792,159 gives the same sequence; the c. name uses the placement nearest the transcript's 3' end. VCF-style (leftmost placement, unchanged base first): chr21-34792141-GGGCCTCCACAC-G. GRCh37 (hg19) VCF-style: chr21-36164438-GGGCCTCCACAC-G.
Other names: c.1345_1355del, p.Val449fs (NM_001001890.3); c.1426_1436del11 (NM_001754.4); short protein forms V476fs, V449fs.
Identifiers: ClinVar variation 5028555 (VCV005028555.1).

ClinVar aggregate classification (germline): Uncertain significance (1 of 4 stars; one submission).

Conditions:
Inborn genetic diseases. Identifiers: MedGen C0950123, MeSH D030342.

Submission:

Ambry Genetics
Classification: Uncertain significance for Inborn genetic diseases. Last evaluated: 2026-06-26. Review status: criteria provided, single submitter. Criteria: Ambry Variant Classification Scheme 2023. Collection method: clinical testing. Allele origin: germline.
Comment: The c.1426_1436del11 variant, located in coding exon 8 of the RUNX1 gene, results from a deletion of 11 nucleotides at nucleotide positions 1426 to 1436, causing a translational frameshift with a predicted alternate stop codon (p.V476Lfs*120). This variant occurs at the 3' terminus of the gene, is not expected to trigger nonsense-mediated mRNAdecay and results in the elongation of the protein by 114 amino acids. This frameshift impacts the last 5 amino acids of the native protein. The exact functional effect of the altered amino acids is unknown. Based on the available evidence, the clinical significance of this variant remains unclear.